The following is an entry in ClinVar:

NM_198407.2(GHSR):c.341T>C (p.Leu114Pro)

Gene: GHSR (growth hormone secretagogue receptor; minus strand). Cytogenetic location: 3q26.31.
Variant type: single nucleotide variant.
Coding change: c.341T>C on transcript NM_198407.2 (MANE Select); coding-DNA position 341, T replaced by C.
Protein change: p.Leu114Pro; replaces leucine 114 with proline.
Molecular consequence: missense variant.
Genome position (GRCh38, 1-based): chr3:172,448,073, A>G on the plus strand (T>C on the coding strand, the complement: GHSR is on the minus strand). VCF-style: chr3-172448073-A-G. GRCh37 (hg19) VCF-style: chr3-172165863-A-G.
Other names: c.341T>C, p.Leu114Pro (NM_004122.2); short protein forms L114P.
Identifiers: ClinVar variation 3629993 (VCV003629993.1).

ClinVar aggregate classification (germline): Uncertain significance (1 of 4 stars; one submission).

Submission:

Women's Health and Genetics/Laboratory Corporation of America, LabCorp
Classification: Uncertain significance. Last evaluated: 2024-11-19. Review status: criteria provided, single submitter. Criteria: LabCorp Variant Classification Summary - May 2015. Collection method: clinical testing. Allele origin: germline.
Comment: Variant summary: GHSR c.341T>C (p.Leu114Pro) results in a non-conservative amino acid change located in the G-protein coupled receptors family 1 profile domain of the encoded protein sequence. Three of five in-silico tools predict a benign effect of the variant on protein function. The variant was absent in 250838 control chromosomes. The available data on variant occurrences in the general population are insufficient to allow any conclusion about variant significance. To our knowledge, no occurrence of c.341T>C in individuals affected with Short Stature Due To Growth Hormone Secretagogue Receptor Deficiency and no experimental evidence demonstrating its impact on protein function have been reported. No submitters have cited clinical-significance assessments for this variant to ClinVar. Based on the evidence outlined above, the variant was classified as uncertain significance.